The following is an entry in ClinVar:

ClinVar aggregate classification (germline): Likely pathogenic (1 of 4 stars; one submission).

Conditions:
Inborn genetic diseases. Identifiers: MedGen C0950123, MeSH D030342.

gnomAD v4.1: 1 of 1,580,964 alleles (0.000063%); highest among the groups gnomAD compares: Non-Finnish European, 0.000086%; no homozygotes.

Submission:

Ambry Genetics
Classification: Likely pathogenic for Inborn genetic diseases. Last evaluated: 2025-12-26. Review status: criteria provided, single submitter. Criteria: Ambry Variant Classification Scheme 2023. Collection method: clinical testing. Allele origin: germline.
Comment: The c.2T>C (p.M1?) alteration is located in coding exon 1 of the PIGW gene and consists of a T to C substitution at nucleotide position 1. This alters the methionine residue at the initiation codon (ATG). Sequence variations that modify the initiation codon are expected to result in either loss of translation initiation, N-terminal truncation, or cause a shift in the mRNA reading frame. This variant was not reported in population-based cohorts in the Genome Aggregation Database (gnomAD). Based on the available evidence, this alteration is classified as likely pathogenic.

NM_001346754.2(PIGW):c.2T>C (p.Met1Thr)

Genes: MYO19 (myosin XIX; minus strand), PIGW (phosphatidylinositol glycan anchor biosynthesis class W; plus strand). Cytogenetic location: 17q12.
Variant type: single nucleotide variant.
Coding change: c.2T>C on transcript NM_001346754.2 (MANE Select); coding-DNA position 2, T replaced by C.
Protein change: p.Met1Thr; changes the start codon (methionine 1).
Molecular consequence: missense variant, initiator codon variant.
Genome position (GRCh38, 1-based): chr17:36,537,103, T>C. VCF-style: chr17-36537103-T-C. GRCh37 (hg19) VCF-style: chr17-34892952-T-C.
Other names: c.2T>C, p.Met1Thr (NM_001346755.2, NM_178517.5); short protein forms M1T.
Identifiers: ClinVar variation 4833029 (VCV004833029.1).